The following is an entry in ClinVar:

ClinVar aggregate classification (germline): Likely benign. Review status: criteria provided, multiple submitters, no conflicts (2 of 4 stars). 2 submissions from 2 submitters: Likely benign (2). Last evaluated 2025-02-07.

Conditions:
Colorectal cancer, susceptibility to, 12 (CRCS12). Also called: COLORECTAL CANCER, SUSCEPTIBILITY TO, ON CHROMOSOME 12q24. Identifiers: Orphanet 220460, MedGen C3554460, MONDO:0014038, OMIM 615083.

Submissions (2):

Myriad Genetics, Inc.
Classification: Likely benign for Colorectal cancer, susceptibility to, 12. Last evaluated: 2025-02-07. Review status: criteria provided, single submitter. Criteria: Myriad Autosomal Dominant, Autosomal Recessive and X-Linked Classification Criteria (2023). Collection method: clinical testing. Allele origin: unknown.
Comment: This variant is considered likely benign. This variant is intronic and is not expected to impact mRNA splicing.

Labcorp Genetics (formerly Invitae), Labcorp
Classification: Likely benign. Last evaluated: 2024-06-16. Review status: criteria provided, single submitter. Criteria: Invitae Variant Classification Sherloc (09022015). Collection method: clinical testing. Allele origin: germline.

NM_006231.4(POLE):c.802-18C>T

Gene: POLE (DNA polymerase epsilon, catalytic subunit; minus strand). Cytogenetic location: 12q24.33.
Variant type: single nucleotide variant.
Coding change: c.802-18C>T on transcript NM_006231.4 (MANE Select); 18 bases into the intron before coding-DNA position 802, C replaced by T.
Molecular consequence: intron variant.
Genome position (GRCh38, 1-based): chr12:132,676,671, G>A on the plus strand (C>T on the coding strand, the complement: POLE is on the minus strand). VCF-style: chr12-132676671-G-A. GRCh37 (hg19) VCF-style: chr12-133253257-G-A.
Identifiers: ClinVar variation 3679114 (VCV003679114.3).